The following is an entry in ClinVar:

NM_031418.4(ANO3):c.2009A>G (p.Tyr670Cys)

Gene: ANO3 (anoctamin 3; plus strand). Cytogenetic location: 11p14.2.
Variant type: single nucleotide variant.
Coding change: c.2009A>G on transcript NM_031418.4 (MANE Select); coding-DNA position 2009, A replaced by G.
Protein change: p.Tyr670Cys; replaces tyrosine 670 with cysteine.
Molecular consequence: missense variant.
Genome position (GRCh38, 1-based): chr11:26,635,036, A>G. VCF-style: chr11-26635036-A-G. GRCh37 (hg19) VCF-style: chr11-26656583-A-G.
Other names: c.2192A>G, p.Tyr731Cys (NM_001313726.2); c.1571A>G, p.Tyr524Cys (NM_001313727.2); short protein forms Y731C, Y670C, Y524C.
Identifiers: ClinVar variation 1505285 (VCV001505285.5), dbSNP rs1371090711, ClinGen allele CA379935051.

ClinVar aggregate classification (germline): Uncertain significance (1 of 4 stars; one submission).

Conditions:
Dystonic disorder. Also called: Dystonia. Identifiers: MedGen C0013421, MONDO:0003441, HP:0001332.

Allele frequency attached by ClinVar (database versions not stated): gnomAD 0.00001; TOPMed 0.00001.

Submission:

Labcorp Genetics (formerly Invitae), Labcorp
Classification: Uncertain significance for Dystonic disorder. Last evaluated: 2021-08-13. Review status: criteria provided, single submitter. Criteria: Invitae Variant Classification Sherloc (09022015). Collection method: clinical testing. Allele origin: germline.
Comment: This sequence change replaces tyrosine with cysteine at codon 670 of the ANO3 protein (p.Tyr670Cys). The tyrosine residue is moderately conserved and there is a large physicochemical difference between tyrosine and cysteine. This variant is not present in population databases (ExAC no frequency). This variant has not been reported in the literature in individuals affected with ANO3-related conditions. Advanced modeling of protein sequence and biophysical properties (such as structural, functional, and spatial information, amino acid conservation, physicochemical variation, residue mobility, and thermodynamic stability) performed at Invitae indicates that this missense variant is expected to disrupt ANO3 protein function. In summary, the available evidence is currently insufficient to determine the role of this variant in disease. Therefore, it has been classified as a Variant of Uncertain Significance.